The following is an entry in ClinVar:

NM_004273.5(CHST3):c.466G>A (p.Gly156Ser)

Gene: CHST3 (carbohydrate sulfotransferase 3; plus strand). Cytogenetic location: 10q22.1.
Variant type: single nucleotide variant.
Coding change: c.466G>A on transcript NM_004273.5 (MANE Select); coding-DNA position 466, G replaced by A.
Protein change: p.Gly156Ser; replaces glycine 156 with serine.
Molecular consequence: missense variant.
Genome position (GRCh38, 1-based): chr10:72,007,497, G>A. VCF-style: chr10-72007497-G-A. GRCh37 (hg19) VCF-style: chr10-73767255-G-A.
Other names: short protein forms G156S.
Identifiers: ClinVar variation 1402271 (VCV001402271.7), dbSNP rs202107912, ClinGen allele CA209479095.

ClinVar aggregate classification (germline): Uncertain significance (1 of 4 stars; one submission).

Conditions:
Spondyloepiphyseal dysplasia with congenital joint dislocations (SEDCJD). Also called: Chondrodysplasia with Congenital Joint Dislocations, CHST3-Related. Identifiers: Orphanet 263463, MedGen C1837657, MONDO:0007738, OMIM 143095.

Allele frequency attached by ClinVar (database versions not stated): gnomAD exomes below 0.00001; gnomAD 0.00001; TOPMed 0.00001.

Submission:

Labcorp Genetics (formerly Invitae), Labcorp
Classification: Uncertain significance for Spondyloepiphyseal dysplasia with congenital joint dislocations. Last evaluated: 2022-11-22. Review status: criteria provided, single submitter. Criteria: Invitae Variant Classification Sherloc (09022015). Collection method: clinical testing. Allele origin: germline.
Comment: This sequence change replaces glycine, which is neutral and non-polar, with serine, which is neutral and polar, at codon 156 of the CHST3 protein (p.Gly156Ser). This variant is present in population databases (rs202107912, gnomAD 0.002%). This variant has not been reported in the literature in individuals affected with CHST3-related conditions. ClinVar contains an entry for this variant (Variation ID: 1402271). Advanced modeling of protein sequence and biophysical properties (such as structural, functional, and spatial information, amino acid conservation, physicochemical variation, residue mobility, and thermodynamic stability) performed at Invitae indicates that this missense variant is not expected to disrupt CHST3 protein function. In summary, the available evidence is currently insufficient to determine the role of this variant in disease. Therefore, it has been classified as a Variant of Uncertain Significance.